The following is an entry in ClinVar:

NM_021628.3(ALOXE3):c.842G>A (p.Gly281Asp)

Gene: ALOXE3 (arachidonate epidermal lipoxygenase 3; minus strand). Cytogenetic location: 17p13.1.
Variant type: single nucleotide variant.
Coding change: c.842G>A on transcript NM_021628.3 (MANE Select); coding-DNA position 842, G replaced by A.
Protein change: p.Gly281Asp; replaces glycine 281 with aspartic acid.
Molecular consequence: missense variant.
Genome position (GRCh38, 1-based): chr17:8,111,474, C>T on the plus strand (G>A on the coding strand, the complement: ALOXE3 is on the minus strand). VCF-style: chr17-8111474-C-T. GRCh37 (hg19) VCF-style: chr17-8014792-C-T.
Other names: c.1238G>A, p.Gly413Asp (NM_001165960.1); c.839G>A, p.Gly280Asp (NM_001369446.1); short protein forms G281D, G413D, G280D.
Identifiers: ClinVar variation 432186 (VCV000432186.4), dbSNP rs786205120, ClinGen allele CA397975806.

ClinVar aggregate classification (germline): Conflicting classifications of pathogenicity. Review status: criteria provided, conflicting classifications (1 of 4 stars). 3 submissions from 3 submitters: Likely pathogenic (2); Uncertain significance (1). Last evaluated 2026-09-09.

Conditions:
Ichthyosis and erythrokeratoderma.

Submissions (3):

Genetics Laboratory, Great Ormond Street Hospital NHS Foundation Trust, North Thames Genomic Laboratory Hub
Classification: Likely pathogenic for Ichthyosis and erythrokeratoderma. Last evaluated: 2026-09-09. Review status: criteria provided, single submitter. Criteria: ACGS Best Practice Guidelines for Variant Classification in Rare Disease 2024 v1.2. Collection method: clinical testing. Allele origin: germline. Affected: yes.
Comment: PM2_moderate, PP3_supporting, PM1_supporting, PM3_moderate

Women's Health and Genetics/Laboratory Corporation of America, LabCorp
Classification: Uncertain significance. Last evaluated: 2024-10-28. Review status: criteria provided, single submitter. Criteria: LabCorp Variant Classification Summary - May 2015. Collection method: clinical testing. Allele origin: germline.
Comment: Variant summary: ALOXE3 c.842G>A (p.Gly281Asp) results in a non-conservative amino acid change located in the Lipoxygenase, C-terminal domain of the encoded protein sequence. Five of five in-silico tools predict a damaging effect of the variant on protein function. The variant was absent in 251460 control chromosomes. c.842G>A has been reported in the literature in a homozygous individual affected with autosomal recessive congenital ichthyosis (e.g, Mohamad_2020, Mohamad_2021). These data indicate that the variant may be associated with disease. To our knowledge, no experimental evidence demonstrating an impact on protein function has been reported. The following publications have been ascertained in the context of this evaluation (PMID: 32618001, 33786896). ClinVar contains an entry for this variant (Variation ID: 432186). Based on the evidence outlined above, the variant was classified as VUS-possibly pathogenic.

GeneDx
Classification: Likely pathogenic. Last evaluated: 2016-06-01. Review status: criteria provided, single submitter. Criteria: GeneDx Variant Classification (06012015). Collection method: clinical testing. Allele origin: germline. Affected: yes.
Comment: To our knowledge, the G281D variant in the ALOXE3 gene has not been reported previously as a pathogenic variant, nor as a benign variant. The G281D variant was not observed in approximately 6,500 individuals of European and African American ancestry in the NHLBI Exome Sequencing Project, indicating it is not a common benign variant in these populations. It is a non-conservative amino acid substitution, which is likely to impact secondary protein structure as these residues differ in polarity, charge, size and/or other properties. This substitution occurs at a position that is conserved across species and in silico analysis predicts this variant is probably damaging to the protein structure/function. In addition, a missense variant at the same codon (G281V) has been reported in the Human Gene Mutation Database in association with autosomal recessive congenital ichthyosis (Stenson et al., 2014), supporting the functional importance of this region of the protein. Therefore, the G281D variant is a strong candidate for a pathogenic variant, however the possibility it may be a rare benign variant cannot be excluded.

Literature cited by the submitters: PubMed 33786896 (cited by Women's Health and Genetics/Laboratory Corporation of America, LabCorp); PubMed 32618001 (cited by Women's Health and Genetics/Laboratory Corporation of America, LabCorp).